The following is an entry in ClinVar:

ClinVar aggregate classification (germline): Uncertain significance. Review status: criteria provided, multiple submitters, no conflicts (2 of 4 stars). 2 submissions from 2 submitters: Uncertain significance (2). Last evaluated 2026-05-06.

Conditions:
Ulnar-mammary syndrome (UMS). Also called: PALLISTER ULNAR-MAMMARY SYNDROME; SCHINZEL SYNDROME; Ulnar-mammary syndrome of Pallister. Identifiers: Orphanet 3138, MedGen C1866994, MONDO:0008411, OMIM 181450.
TBX3-related disorder. Also called: TBX3-related condition.

Allele frequency attached by ClinVar (database versions not stated): ExAC 0.00005; gnomAD 0.00005; TOPMed 0.00006; ESP Exome Variant Server 0.00008.

Submissions (2):

PreventionGenetics, part of Exact Sciences
Classification: Uncertain significance for TBX3-related condition. Last evaluated: 2026-05-06. Review status: criteria provided, single submitter. Criteria: ACMG Guidelines, 2015. Collection method: clinical testing. Allele origin: germline.
Comment: The TBX3 c.604G>A variant is predicted to result in the amino acid substitution p.Val202Ile. To our knowledge, this variant has not been reported in the literature. This variant is reported in 0.0085% of alleles in individuals of European (Non-Finnish) descent in gnomAD. At this time, the clinical significance of this variant is uncertain due to the absence of conclusive functional and genetic evidence.

Labcorp Genetics (formerly Invitae), Labcorp
Classification: Uncertain significance for Ulnar-mammary syndrome. Last evaluated: 2024-09-06. Review status: criteria provided, single submitter. Criteria: Invitae Variant Classification Sherloc (09022015). Collection method: clinical testing. Allele origin: germline.
Comment: This sequence change replaces valine, which is neutral and non-polar, with isoleucine, which is neutral and non-polar, at codon 202 of the TBX3 protein (p.Val202Ile). This variant is present in population databases (rs370362658, gnomAD 0.008%). This variant has not been reported in the literature in individuals affected with TBX3-related conditions. An algorithm developed to predict the effect of missense changes on protein structure and function (PolyPhen-2) suggests that this variant is likely to be disruptive. In summary, the available evidence is currently insufficient to determine the role of this variant in disease. Therefore, it has been classified as a Variant of Uncertain Significance.

NM_005996.4(TBX3):c.604G>A (p.Val202Ile)

Gene: TBX3 (T-box transcription factor 3; minus strand). Cytogenetic location: 12q24.21.
Variant type: single nucleotide variant.
Coding change: c.604G>A on transcript NM_005996.4 (MANE Select); coding-DNA position 604, G replaced by A.
Protein change: p.Val202Ile; replaces valine 202 with isoleucine.
Molecular consequence: missense variant.
Genome position (GRCh38, 1-based): chr12:114,680,932, C>T on the plus strand (G>A on the coding strand, the complement: TBX3 is on the minus strand). VCF-style: chr12-114680932-C-T. GRCh37 (hg19) VCF-style: chr12-115118737-C-T.
Other names: c.604G>A (NM_016569.3); c.604G>A, p.Val202Ile (NM_016569.4); short protein forms V202I.
Identifiers: ClinVar variation 2883400 (VCV002883400.4), dbSNP rs370362658, ClinGen allele CA6810166.